The following is an entry in ClinVar:

NM_152564.5(VPS13B):c.11638C>T (p.Gln3880Ter)

Gene: VPS13B (vacuolar protein sorting 13 homolog B; plus strand). Cytogenetic location: 8q22.2.
Variant type: single nucleotide variant.
Coding change: c.11638C>T on transcript NM_152564.5 (MANE Select); coding-DNA position 11638, C replaced by T.
Protein change: p.Gln3880Ter; replaces glutamine 3880 with a stop codon.
Molecular consequence: nonsense.
Genome position (GRCh38, 1-based): chr8:99,871,590, C>T. VCF-style: chr8-99871590-C-T. GRCh37 (hg19) VCF-style: chr8-100883818-C-T.
Other names: c.11713C>T, p.Gln3905Ter (NM_017890.5); short protein forms Q3880*, Q3905*.
Identifiers: ClinVar variation 2837360 (VCV002837360.3), dbSNP rs147315245, ClinGen allele CA4825293.
Genomic context (GRCh38, chr8:99,871,590, plus strand): 5'-GAAGGGTGCTTGCTGCTGACATCAGAAGTGCTCTTCGTGGTGAGTGTCAGTGAGGACACA[C>T]AGCAGCAGGCCTTCCCCGTCACAGAAATCGACTGTGCACAGGACAGCAAGCAGAACAACT-3'

ClinVar aggregate classification (germline): Pathogenic (1 of 4 stars; one submission).

Conditions:
Cohen syndrome (COH1). Also called: PEPPER SYNDROME; Cutis verticis gyrata, retinitis pigmentosa, and sensorineural deafness. Identifiers: Orphanet 193, MedGen C0265223, MONDO:0008999, OMIM 216550.

Allele frequency attached by ClinVar (database versions not stated): ExAC 0.00001; ESP Exome Variant Server 0.00008.

Submission:

Labcorp Genetics (formerly Invitae), Labcorp
Classification: Pathogenic for Cohen syndrome. Last evaluated: 2023-02-20. Review status: criteria provided, single submitter. Criteria: Invitae Variant Classification Sherloc (09022015). Collection method: clinical testing. Allele origin: germline.
Comment: For these reasons, this variant has been classified as Pathogenic. This variant has not been reported in the literature in individuals affected with VPS13B-related conditions. This variant is not present in population databases (gnomAD no frequency). This sequence change creates a premature translational stop signal (p.Gln3905*) in the VPS13B gene. It is expected to result in an absent or disrupted protein product. Loss-of-function variants in VPS13B are known to be pathogenic (PMID: 15141358, 16648375, 20461111).

Literature cited by the submitters: PubMed 15141358; PubMed 16648375; PubMed 20461111.